The following is an entry in ClinVar:

NM_005535.3(IL12RB1):c.1791+9G>A

Gene: IL12RB1 (interleukin 12 receptor subunit beta 1; minus strand). Cytogenetic location: 19p13.11.
Variant type: single nucleotide variant.
Coding change: c.1791+9G>A on transcript NM_005535.3 (MANE Select); 9 bases into the intron after coding-DNA position 1791, G replaced by A.
Molecular consequence: intron variant.
Genome position (GRCh38, 1-based): chr19:18,061,113, C>T on the plus strand (G>A on the coding strand, the complement: IL12RB1 is on the minus strand). VCF-style: chr19-18061113-C-T. GRCh37 (hg19) VCF-style: chr19-18171923-C-T.
Other names: c.1911+9G>A (NM_001290024.2); c.1791+9G>A (NM_001290023.2); c.1812+9G>A (NM_001440425.1, NM_001440424.1).
Identifiers: ClinVar variation 541823 (VCV000541823.13), dbSNP rs182660189, ClinGen allele CA9304687.

ClinVar aggregate classification (germline): Conflicting classifications of pathogenicity. Review status: criteria provided, conflicting classifications (1 of 4 stars). 3 submissions from 3 submitters: Uncertain significance (1); Likely benign (2). Last evaluated 2025-10-26.

Conditions:
Mendelian susceptibility to mycobacterial diseases due to complete IL12RB1 deficiency. Also called: IL12RB1 DEFICIENCY; Immunodeficiency 30. Identifiers: Orphanet 319552, MedGen C4013949, MONDO:0013955, OMIM 614891.

Allele frequency attached by ClinVar (database versions not stated): gnomAD exomes 0.00005; ExAC 0.00011; ESP Exome Variant Server 0.00016; gnomAD 0.00022 and 0.00026; 1000 Genomes Project 30x 0.00031; TOPMed 0.00042; 1000 Genomes Project 0.00060.
gnomAD v4.1: 95 of 1,486,852 alleles (0.0064%); highest among the groups gnomAD compares: African/African-American, 0.063%; no homozygotes.

Submissions (3):

Labcorp Genetics (formerly Invitae), Labcorp
Classification: Likely benign for Mendelian susceptibility to mycobacterial diseases due to complete IL12RB1 deficiency. Last evaluated: 2025-10-26. Review status: criteria provided, single submitter. Criteria: Invitae Variant Classification Sherloc (09022015). Collection method: clinical testing. Allele origin: germline.

Blueprint Genetics
Classification: Likely benign. Last evaluated: 2024-07-05. Review status: criteria provided, single submitter. Criteria: ACMG Guidelines, 2015. Collection method: clinical testing. Allele origin: germline.

Center for Genomics, Ann and Robert H. Lurie Children's Hospital of Chicago
Classification: Uncertain significance for Mendelian susceptibility to mycobacterial diseases due to complete IL12RB1 deficiency. Last evaluated: 2023-01-18. Review status: criteria provided, single submitter. Criteria: ACMG Guidelines, 2015. Collection method: clinical testing. Allele origin: germline.
Comment: This variant has not been reported in the literature is present in the Genome Aggregation Database (Highest reported MAF 0.08% [13/15276]). This variant is present in ClinVar (Variation ID: 541823). Evolutionary conservation and computational prediction tools for this variant are limited or unavailable. This is an intronic variant with no predicted change in the amino acid sequence, but it may have an unknown effect on splicing. Splice prediction tools do not suggest that this variant may affect splicing. However, further studies are needed to understand its impact. In summary, data on this variant is insufficient for disease classification. Therefore, the clinical significance of this variant is uncertain.